The following is an entry in ClinVar:

ClinVar aggregate classification (germline): Benign. Review status: criteria provided, single submitter (1 of 4 stars). 2 submissions from 2 submitters: Benign (1). 1 of the submissions does not count toward it. Last evaluated 2026-09-01.

Conditions:
PIGH-related disorder. Also called: PIGH-related condition.

Allele frequency attached by ClinVar (database versions not stated): 1000 Genomes Project 0.00260; 1000 Genomes Project 30x 0.00265; ESP Exome Variant Server 0.00630; gnomAD 0.00650; TOPMed 0.00676; gnomAD exomes 0.00975; ExAC 0.01205.
gnomAD v4.1: 14,539 of 1,554,710 alleles (0.94%); highest among the groups gnomAD compares: Non-Finnish European, 1.2%; 77 homozygotes.

Submissions (2):

CeGaT Center for Human Genetics Tuebingen
Classification: Benign. Last evaluated: 2026-09-01. Review status: criteria provided, single submitter. Criteria: CeGaT Center For Human Genetics Tuebingen Variant Classification Criteria Version 2. Collection method: clinical testing. Allele origin: germline. Affected: yes. Observed: 18 variant alleles.
Comment: PIGH: BP4, BS1, BS2

PreventionGenetics, part of Exact Sciences
Classification: Benign for PIGH-related condition. Last evaluated: 2023-08-18. Review status: no assertion criteria provided. Collection method: clinical testing. Allele origin: germline. Not counted in ClinVar's aggregate classification.
Comment: This variant is classified as benign based on ACMG/AMP sequence variant interpretation guidelines (Richards et al. 2015 PMID: 25741868, with internal and published modifications).

NM_004569.5(PIGH):c.180+6G>A

Genes: GPHN (gephyrin; plus strand), PIGH (phosphatidylinositol glycan anchor biosynthesis class H; minus strand), LOC130055900 (ATAC-STARR-seq lymphoblastoid active region 8583; plus strand). Cytogenetic location: 14q24.1.
Variant type: single nucleotide variant.
Coding change: c.180+6G>A on transcript NM_004569.5 (MANE Select); 6 bases into the intron after coding-DNA position 180, G replaced by A.
Molecular consequence: intron variant.
Genome position (GRCh38, 1-based): chr14:67,600,018, C>T on the plus strand (G>A on the coding strand, the complement: PIGH is on the minus strand). VCF-style: chr14-67600018-C-T. GRCh37 (hg19) VCF-style: chr14-68066735-C-T.
Other names: c.180+6G>A (NM_001363694.2, NM_001440644.1, NM_001440640.1).
Identifiers: ClinVar variation 2644334 (VCV002644334.25), dbSNP rs150966448, ClinGen allele CA7237610.